The following is an entry in ClinVar:

NM_001001957.2(OR2W3):c.719C>T (p.Thr240Ile)

Gene: OR2W3 (olfactory receptor family 2 subfamily W member 3; plus strand). Cytogenetic location: 1q44.
Variant type: single nucleotide variant.
Coding change: c.719C>T on transcript NM_001001957.2 (MANE Select); coding-DNA position 719, C replaced by T.
Protein change: p.Thr240Ile; replaces threonine 240 with isoleucine.
Molecular consequence: missense variant.
Genome position (GRCh38, 1-based): chr1:247,896,305, C>T. VCF-style: chr1-247896305-C-T. GRCh37 (hg19) VCF-style: chr1-248059607-C-T.
Other names: short protein forms T240I.
Identifiers: ClinVar variation 2120000 (VCV002120000.4), dbSNP rs2527689148, ClinGen allele CA345595481.

ClinVar aggregate classification (germline): Uncertain significance (1 of 4 stars; one submission).

Submission:

Labcorp Genetics (formerly Invitae), Labcorp
Classification: Uncertain significance. Last evaluated: 2022-03-31. Review status: criteria provided, single submitter. Criteria: Invitae Variant Classification Sherloc (09022015). Collection method: clinical testing. Allele origin: germline.
Comment: This sequence change replaces threonine, which is neutral and polar, with isoleucine, which is neutral and non-polar, at codon 240 of the OR2W3 protein (p.Thr240Ile). In summary, the available evidence is currently insufficient to determine the role of this variant in disease. Therefore, it has been classified as a Variant of Uncertain Significance. Algorithms developed to predict the effect of missense changes on protein structure and function (SIFT, PolyPhen-2, Align-GVGD) all suggest that this variant is likely to be disruptive. This variant has not been reported in the literature in individuals affected with OR2W3-related conditions. This variant is not present in population databases (gnomAD no frequency).